The following is an entry in ClinVar:

NM_000257.4(MYH7):c.2923-5G>A

Gene: MYH7 (myosin heavy chain 7; minus strand). Cytogenetic location: 14q11.2.
Variant type: single nucleotide variant.
Coding change: c.2923-5G>A on transcript NM_000257.4 (MANE Select); 5 bases into the intron before coding-DNA position 2923, G replaced by A.
Molecular consequence: intron variant.
Genome position (GRCh38, 1-based): chr14:23,423,728, C>T on the plus strand (G>A on the coding strand, the complement: MYH7 is on the minus strand). VCF-style: chr14-23423728-C-T. GRCh37 (hg19) VCF-style: chr14-23892937-C-T.
Other names: c.2923-5G>A (LRG_384t1, NM_000257.3).
Identifiers: ClinVar variation 382320 (VCV000382320.9), dbSNP rs779010466, ClinGen allele CA034918.
Genomic context (GRCh38, chr14:23,423,728, plus strand): 5'-GTCAGCTTGGCAATGATCTCATCCAGCCCAGCCATCTCCTCTGTCAGGTTTTTCACCTGC[C>T]GACCAAGAATCCCATCTCCTTTAGGGTCAAAGGTCACCAGCTTGGTGCCATCTGTGGGGA-3'

ClinVar aggregate classification (germline): Uncertain significance. Review status: criteria provided, multiple submitters, no conflicts (2 of 4 stars). 6 submissions from 6 submitters: Uncertain significance (6). Last evaluated 2025-09-03.

Conditions:
Cardiovascular phenotype. Identifiers: MedGen CN230736.
Cardiomyopathy (CMYO). Also called: Cardiomyopathies. Identifiers: Orphanet 167848, MedGen C0878544, MONDO:0004994, HP:0001638. Inheritance: Various modes of inheritance.
Hypertrophic cardiomyopathy. Also called: HYPERTROPHIC MYOCARDIOPATHY. Identifiers: Orphanet 217569, MedGen C0007194, MeSH D002312, MONDO:0005045, HP:0001639.

Allele frequency attached by ClinVar (database versions not stated): gnomAD exomes below 0.00001; ExAC 0.00001.

Submissions (6):

Color Diagnostics, LLC DBA Color Health
Classification: Uncertain significance for Cardiomyopathy. Last evaluated: 2025-09-03. Review status: criteria provided, single submitter. Criteria: ACMG Guidelines, 2015. Collection method: clinical testing. Allele origin: germline.
Comment: This variant causes a G to A nucleotide substitution at the -5 position of intron 23 of the MYH7 gene. To our knowledge, functional studies have not been reported for this variant. This variant has not been reported in individuals affected with MYH7-related disorders in the literature. This variant has been identified in 1/251484 chromosomes in the general population by the Genome Aggregation Database (gnomAD). The available evidence is insufficient to determine the role of this variant in disease conclusively. Therefore, this variant is classified as a Variant of Uncertain Significance.

Labcorp Genetics (formerly Invitae), Labcorp
Classification: Uncertain significance for Hypertrophic cardiomyopathy. Last evaluated: 2024-06-30. Review status: criteria provided, single submitter. Criteria: Invitae Variant Classification Sherloc (09022015). Collection method: clinical testing. Allele origin: germline.
Comment: This sequence change falls in intron 23 of the MYH7 gene. It does not directly change the encoded amino acid sequence of the MYH7 protein. This variant is present in population databases (rs779010466, gnomAD 0.006%). This variant has not been reported in the literature in individuals affected with MYH7-related conditions. ClinVar contains an entry for this variant (Variation ID: 382320). Algorithms developed to predict the effect of sequence changes on RNA splicing suggest that this variant may create or strengthen a splice site. In summary, the available evidence is currently insufficient to determine the role of this variant in disease. Therefore, it has been classified as a Variant of Uncertain Significance.

GeneDx
Classification: Uncertain significance. Last evaluated: 2024-02-14. Review status: criteria provided, single submitter. Criteria: GeneDx Variant Classification Process June 2021. Collection method: clinical testing. Allele origin: germline. Affected: yes.
Comment: Not observed at significant frequency in large population cohorts (gnomAD); In silico analysis supports a deleterious effect on splicing; Has not been previously published as pathogenic or benign to our knowledge

Ambry Genetics
Classification: Uncertain significance for Cardiovascular phenotype. Last evaluated: 2023-08-21. Review status: criteria provided, single submitter. Criteria: Ambry Variant Classification Scheme 2023. Collection method: clinical testing. Allele origin: germline.
Comment: The c.2923-5G>A intronic variant results from a G to A substitution 5 nucleotides upstream from coding exon 22 in the MYH7 gene. This nucleotide position is not well conserved in available vertebrate species. In silico splice site analysis predicts that this alteration will result in the creation or strengthening of a novel splice acceptor site. Since supporting evidence is limited at this time, the clinical significance of this alteration remains unclear.

Women's Health and Genetics/Laboratory Corporation of America, LabCorp
Classification: Uncertain significance. Last evaluated: 2023-08-19. Review status: criteria provided, single submitter. Criteria: LabCorp Variant Classification Summary - May 2015. Collection method: clinical testing. Allele origin: germline.

Human Genetics Bochum, Ruhr University Bochum
Classification: Uncertain significance. Last evaluated: 2023-06-05. Review status: criteria provided, single submitter. Criteria: ACMG Guidelines, 2015. Collection method: clinical testing. Allele origin: germline. Affected: yes.
Comment: ACMG criteria used to clasify this variant: PM2_SUP, PP3